The following is an entry in ClinVar:

ClinVar aggregate classification (germline): Uncertain significance (1 of 4 stars; one submission).

Conditions:
Noonan syndrome (NS). Also called: Noonan's syndrome. Identifiers: Orphanet 648, MedGen C0028326, MeSH D009634, MONDO:0018997. Disease mechanism: gain of function.

Submission:

Labcorp Genetics (formerly Invitae), Labcorp
Classification: Uncertain significance for Noonan syndrome. Last evaluated: 2025-11-08. Review status: criteria provided, single submitter. Criteria: Invitae Variant Classification Sherloc (09022015). Collection method: clinical testing. Allele origin: germline.
Comment: This sequence change replaces glutamic acid, which is acidic and polar, with aspartic acid, which is acidic and polar, at codon 156 of the RRAS protein (p.Glu156Asp). This variant is not present in population databases (gnomAD no frequency). This variant has not been reported in the literature in individuals affected with RRAS-related conditions. An algorithm developed to predict the effect of missense changes on protein structure and function (PolyPhen-2) suggests that this variant is likely to be tolerated. In summary, the available evidence is currently insufficient to determine the role of this variant in disease. Therefore, it has been classified as a Variant of Uncertain Significance.

NM_006270.5(RRAS):c.468A>C (p.Glu156Asp)

Gene: RRAS (RAS related; minus strand). Cytogenetic location: 19q13.33.
Variant type: single nucleotide variant.
Coding change: c.468A>C on transcript NM_006270.5 (MANE Select); coding-DNA position 468, A replaced by C.
Protein change: p.Glu156Asp; replaces glutamic acid 156 with aspartic acid.
Molecular consequence: missense variant.
Genome position (GRCh38, 1-based): chr19:49,635,838, T>G on the plus strand (A>C on the coding strand, the complement: RRAS is on the minus strand). VCF-style: chr19-49635838-T-G. GRCh37 (hg19) VCF-style: chr19-50139095-T-G.
Other names: short protein forms E156D.
Identifiers: ClinVar variation 4692746 (VCV004692746.1).